The following is an entry in ClinVar:

NM_015559.3(SETBP1):c.552_553delinsAT (p.Pro185Ser)

Gene: SETBP1 (SET binding protein 1; plus strand). Cytogenetic location: 18q12.3.
Variant type: Indel.
Coding change: c.552_553delinsAT on transcript NM_015559.3 (MANE Select); coding-DNA positions 552 to 553, GC replaced by AT.
Protein change: p.Pro185Ser; replaces proline 185 with serine.
Molecular consequence: missense variant.
Genome position (GRCh38, 1-based): chr18:44,949,892-44,949,893, GC replaced by AT. VCF-style: chr18-44949892-GC-AT. GRCh37 (hg19) VCF-style: chr18-42529857-GC-AT.
Other names: c.552_553delinsAT, p.Pro185Ser (NM_001379141.1, NM_001379142.1, NM_001410862.1); short protein forms P185S.
Identifiers: ClinVar variation 3660727 (VCV003660727.2).

ClinVar aggregate classification (germline): Uncertain significance (1 of 4 stars; one submission).

Submission:

Labcorp Genetics (formerly Invitae), Labcorp
Classification: Uncertain significance. Last evaluated: 2024-08-14. Review status: criteria provided, single submitter. Criteria: Invitae Variant Classification Sherloc (09022015). Collection method: clinical testing. Allele origin: germline.
Comment: This sequence change replaces proline, which is neutral and non-polar, with serine, which is neutral and polar, at codon 185 of the SETBP1 protein (p.Pro185Ser). Information on the frequency of this variant in the gnomAD database is not available, as this variant may be reported differently in the database. This variant has not been reported in the literature in individuals affected with SETBP1-related conditions. Experimental studies and prediction algorithms are not available or were not evaluated, and the functional significance of this variant is currently unknown. In summary, the available evidence is currently insufficient to determine the role of this variant in disease. Therefore, it has been classified as a Variant of Uncertain Significance.